The following is an entry in ClinVar:

NM_001182.5(ALDH7A1):c.1565+15T>C

Gene: ALDH7A1 (aldehyde dehydrogenase 7 family member A1; minus strand). Cytogenetic location: 5q23.2.
Variant type: single nucleotide variant.
Coding change: c.1565+15T>C on transcript NM_001182.5 (MANE Select); 15 bases into the intron after coding-DNA position 1565, T replaced by C.
Molecular consequence: intron variant.
Genome position (GRCh38, 1-based): chr5:126,546,309, A>G on the plus strand (T>C on the coding strand, the complement: ALDH7A1 is on the minus strand). VCF-style: chr5-126546309-A-G. GRCh37 (hg19) VCF-style: chr5-125882001-A-G.
Other names: c.1373+15T>C (NM_001202404.2); c.1481+15T>C (NM_001201377.2).
Identifiers: ClinVar variation 388673 (VCV000388673.9), dbSNP rs375505703, ClinGen allele CA3389367.

ClinVar aggregate classification (germline): Likely benign. Review status: criteria provided, multiple submitters, no conflicts (2 of 4 stars). 3 submissions from 3 submitters: Likely benign (3). Last evaluated 2024-09-06.

Conditions:
Pyridoxine-dependent epilepsy (EPEO4). Also called: Pyridoxine-Dependent Epilepsy - ALDH7A1; EPILEPSY, EARLY-ONSET, 4, VITAMIN B6-DEPENDENT; Pyridoxine-Dependent Seizures; PYRIDOXINE DEPENDENCY WITH SEIZURES. Identifiers: Orphanet 3006, MedGen C1849508, MONDO:0009945, OMIM 266100. Disease mechanism: loss of function.

Allele frequency attached by ClinVar (database versions not stated): gnomAD 0.00002; TOPMed 0.00004; ExAC 0.00002; ESP Exome Variant Server 0.00023; gnomAD exomes 0.00001.
gnomAD v4.1: 11 of 1,613,712 alleles (0.00068%); highest among the groups gnomAD compares: African/African-American, 0.008%; no homozygotes.

Submissions (3):

Labcorp Genetics (formerly Invitae), Labcorp
Classification: Likely benign for Pyridoxine-dependent epilepsy. Last evaluated: 2024-09-06. Review status: criteria provided, single submitter. Criteria: Invitae Variant Classification Sherloc (09022015). Collection method: clinical testing. Allele origin: germline.

Genome-Nilou Lab
Classification: Likely benign for Pyridoxine-dependent epilepsy. Last evaluated: 2023-04-11. Review status: criteria provided, single submitter. Criteria: ACMG Guidelines, 2015. Collection method: clinical testing. Allele origin: germline. Affected: no.

GeneDx
Classification: Likely benign. Last evaluated: 2016-08-17. Review status: criteria provided, single submitter. Criteria: GeneDx Variant Classification (06012015). Collection method: clinical testing. Allele origin: germline. Affected: yes.
Comment: This variant is considered likely benign or benign based on one or more of the following criteria: it is a conservative change, it occurs at a poorly conserved position in the protein, it is predicted to be benign by multiple in silico algorithms, and/or has population frequency not consistent with disease.